The following is an entry in ClinVar:

ClinVar aggregate classification (germline): Uncertain significance (1 of 4 stars; one submission).

Allele frequency attached by ClinVar (database versions not stated): gnomAD 0.00001; TOPMed 0.00002; ESP Exome Variant Server 0.00008.
gnomAD v4.1: 62 of 1,614,060 alleles (0.0038%); highest among the groups gnomAD compares: Non-Finnish European, 0.0047%; no homozygotes.

Submission:

Labcorp Genetics (formerly Invitae), Labcorp
Classification: Uncertain significance. Last evaluated: 2025-08-23. Review status: criteria provided, single submitter. Criteria: Invitae Variant Classification Sherloc (09022015). Collection method: clinical testing. Allele origin: germline.
Comment: This sequence change replaces alanine, which is neutral and non-polar, with glycine, which is neutral and non-polar, at codon 865 of the DSCAML1 protein (p.Ala865Gly). This variant is present in population databases (rs376602423, gnomAD 0.003%). This variant has not been reported in the literature in individuals affected with DSCAML1-related conditions. ClinVar contains an entry for this variant (Variation ID: 1987247). An algorithm developed to predict the effect of missense changes on protein structure and function (PolyPhen-2) suggests that this variant is likely to be tolerated. In summary, the available evidence is currently insufficient to determine the role of this variant in disease. Therefore, it has been classified as a Variant of Uncertain Significance.

NM_020693.4(DSCAML1):c.2414C>G (p.Ala805Gly)

Gene: DSCAML1 (DS cell adhesion molecule like 1; minus strand). Cytogenetic location: 11q23.3.
Variant type: single nucleotide variant.
Coding change: c.2414C>G on transcript NM_020693.4 (MANE Select); coding-DNA position 2414, C replaced by G.
Protein change: p.Ala805Gly; replaces alanine 805 with glycine.
Molecular consequence: missense variant.
Genome position (GRCh38, 1-based): chr11:117,482,108, G>C on the plus strand (C>G on the coding strand, the complement: DSCAML1 is on the minus strand). VCF-style: chr11-117482108-G-C. GRCh37 (hg19) VCF-style: chr11-117352823-G-C.
Other names: c.2414C>G, p.Ala805Gly (NM_001367904.1); short protein forms A805G.
Identifiers: ClinVar variation 1987247 (VCV001987247.4), dbSNP rs376602423, ClinGen allele CA6297012.